The following is an entry in ClinVar:

ClinVar aggregate classification (germline): Uncertain significance (0 of 4 stars; one submission).

Conditions:
AFF4-related disorder. Also called: AFF4-related condition.

Allele frequency attached by ClinVar (database versions not stated): gnomAD 0.00001; gnomAD exomes 0.00001; ExAC 0.00006; 1000 Genomes Project 30x 0.00016; 1000 Genomes Project 0.00020.
gnomAD v4.1: 17 of 1,612,154 alleles (0.0011%); highest among the groups gnomAD compares: South Asian, 0.017%; no homozygotes.

Submission:

PreventionGenetics, part of Exact Sciences
Classification: Uncertain significance for AFF4-related condition. Last evaluated: 2023-11-01. Review status: no assertion criteria provided. Collection method: clinical testing. Allele origin: germline.
Comment: The AFF4 c.1179T>G variant is predicted to result in the amino acid substitution p.Asp393Glu. To our knowledge, this variant has not been reported in the literature. This variant is reported in 0.026% of alleles in individuals of South Asian descent in gnomAD. Although we suspect that this variant may be benign, at this time, the clinical significance of this variant is uncertain due to the absence of conclusive functional and genetic evidence.

NM_014423.4(AFF4):c.1179T>G (p.Asp393Glu)

Gene: AFF4 (ALF transcription elongation factor 4; minus strand). Cytogenetic location: 5q31.1.
Variant type: single nucleotide variant.
Coding change: c.1179T>G on transcript NM_014423.4 (MANE Select); coding-DNA position 1179, T replaced by G.
Protein change: p.Asp393Glu; replaces aspartic acid 393 with glutamic acid.
Molecular consequence: missense variant.
Genome position (GRCh38, 1-based): chr5:132,899,596, A>C on the plus strand (T>G on the coding strand, the complement: AFF4 is on the minus strand). VCF-style: chr5-132899596-A-C. GRCh37 (hg19) VCF-style: chr5-132235288-A-C.
Other names: short protein forms D393E.
Identifiers: ClinVar variation 3061598 (VCV003061598.2), dbSNP rs546917694, ClinGen allele CA3409178.
Genomic context (GRCh38, chr5:132,899,596, plus strand): 5'-ACAATGAAAATACTATATGAGACTGGCAAAATAATACAATAGTAGACACACCTGTTCCCC[A>C]TCACTGTCTTCACTGCTGCTTAGTTTTAAGTCATCTTTTAACATACTAGAGGGAAAAGAC-3'
Protein context (NP_055238.1, residues 383-403): DLKLSSSEDS[Asp393Glu]GEQDCDKTMP